The following is an entry in ClinVar:

NM_004562.3(PRKN):c.*820A>T

Gene: PRKN (parkin RBR E3 ubiquitin protein ligase; minus strand). Cytogenetic location: 6q26.
Variant type: single nucleotide variant.
Coding change: c.*820A>T on transcript NM_004562.3 (MANE Select); 820 bases downstream of the stop codon, A replaced by T.
Molecular consequence: 3 prime UTR variant.
Genome position (GRCh38, 1-based): chr6:161,349,279, T>A on the plus strand (A>T on the coding strand, the complement: PRKN is on the minus strand). VCF-style: chr6-161349279-T-A. GRCh37 (hg19) VCF-style: chr6-161770311-T-A.
Other names: c.*820A>T (NM_013987.3, NM_013988.3).
Identifiers: ClinVar variation 356005 (VCV000356005.5), dbSNP rs74701717, ClinGen allele CA10623388.

ClinVar aggregate classification (germline): Benign (1 of 4 stars; one submission).

Conditions:
Autosomal recessive juvenile Parkinson disease 2. Also called: PARKINSON DISEASE, JUVENILE, AUTOSOMAL RECESSIVE; Parkinson disease autosomal recessive, early onset; Juvenile parkinsonism; Parkinsonism, early onset, with diurnal fluctuation; PRKN-Related Early-Onset Parkinson Disease; Parkinson disease, juvenile, type 2. Identifiers: Orphanet 2828, MedGen C1868675, MONDO:0010820, OMIM 600116.

Allele frequency attached by ClinVar (database versions not stated): gnomAD exomes 0.00830; gnomAD 0.02384 and 0.02439; TOPMed 0.02693; 1000 Genomes Project 0.03534; 1000 Genomes Project 30x 0.03560.
gnomAD v4.1: 4,274 of 226,316 alleles (1.9%); highest among the groups gnomAD compares: African/African-American, 7.1%; 130 homozygotes.

Submission:

Illumina Laboratory Services, Illumina
Classification: Benign for Autosomal recessive juvenile Parkinson disease 2. Last evaluated: 2018-01-13. Review status: criteria provided, single submitter. Criteria: ICSL Variant Classification Criteria 13 December 2019. Collection method: clinical testing. Allele origin: germline.
Comment: This variant was observed in the ICSL laboratory as part of a predisposition screen in an ostensibly healthy population. It had not been previously curated by ICSL or reported in the Human Gene Mutation Database (HGMD: prior to June 1st, 2018), and was therefore a candidate for classification through an automated scoring system. Utilizing variant allele frequency, disease prevalence and penetrance estimates, and inheritance mode, an automated score was calculated to assess if this variant is too frequent to cause the disease. Based on the score and internal cut-off values, a variant classified as benign is not then subjected to further curation. The score for this variant resulted in a classification of benign for this disease.